The following is an entry in ClinVar:

NM_018116.4(MSTO1):c.967-3C>T

Gene: MSTO1 (misato mitochondrial distribution and morphology regulator 1; plus strand). Cytogenetic location: 1q22.
Variant type: single nucleotide variant.
Coding change: c.967-3C>T on transcript NM_018116.4 (MANE Select); 3 bases into the intron before coding-DNA position 967, C replaced by T.
Molecular consequence: intron variant. On other transcripts: non-coding transcript variant (1).
Genome position (GRCh38, 1-based): chr1:155,612,841, C>T. VCF-style: chr1-155612841-C-T. GRCh37 (hg19) VCF-style: chr1-155582632-C-T.
Other names: c.436-3C>T (NM_001350779.1, NM_001350778.1, NM_001350777.1); c.424-3C>T (NM_001350784.1, NM_001350785.1, NM_001350789.1 and 1 more transcripts); c.433-3C>T (NM_001350781.1, NM_001350786.1, NM_001350788.1 and 3 more transcripts); c.802-3C>T (NM_001350776.1); c.967-3C>T (NM_001350773.1, NM_001350774.1, NM_001350775.1 and 3 more transcripts).
Identifiers: ClinVar variation 3067754 (VCV003067754.21), dbSNP rs768686448, ClinGen allele CA526669652.

ClinVar aggregate classification (germline): Likely benign (1 of 4 stars; one submission).

Allele frequency attached by ClinVar (database versions not stated): TOPMed 0.00001.
gnomAD v4.1: 11 of 1,613,860 alleles (0.00068%); highest among the groups gnomAD compares: Admixed American, 0.0067%; no homozygotes.

Submission:

CeGaT Center for Human Genetics Tuebingen
Classification: Likely benign. Last evaluated: 2024-03-01. Review status: criteria provided, single submitter. Criteria: CeGaT Center For Human Genetics Tuebingen Variant Classification Criteria Version 2. Collection method: clinical testing. Allele origin: germline. Affected: yes. Observed: 1 variant allele.
Comment: MSTO1: BP4